The following is an entry in ClinVar:

ClinVar aggregate classification (germline): Benign/Likely benign. Review status: criteria provided, multiple submitters, no conflicts (2 of 4 stars). 28 submissions from 28 submitters: Benign (20); Likely benign (1). 7 of the submissions do not count toward it. Last evaluated 2026-02-04.

Conditions:
Hereditary cancer-predisposing syndrome. Also called: Tumor predisposition; Hereditary neoplastic syndrome; Neoplastic Syndromes, Hereditary; Hereditary Cancer Syndrome. Identifiers: Orphanet 140162, MedGen C0027672, MeSH D009386, MONDO:0015356.
Familial cancer of breast. Also called: hereditary breast carcinoma; Hereditary breast cancer; BREAST CANCER, FAMILIAL. Identifiers: Orphanet 227535, MedGen C0346153, MONDO:0016419, OMIM 114480. Disease mechanism: loss of function.
Hereditary breast ovarian cancer syndrome. Also called: Hereditary breast and ovarian cancer syndrome; Hereditary breast and ovarian cancer syndrome (HBOC); Breast and ovarian cancer; BRCA1- and BRCA2-Associated Hereditary Breast and Ovarian Cancer; Hereditary breast and ovarian cancer; Hereditary breast and/or ovarian cancer syndrome. Identifiers: Orphanet 145, MedGen C0677776, MeSH D061325, MONDO:0003582. Disease mechanism: loss of function.
Ataxia-telangiectasia syndrome (AT). Also called: Cerebello-oculocutaneous telangiectasia; Immunodeficiency with ataxia telangiectasia; Ataxia-telangiectasia; LOUIS-BAR SYNDROME; Ataxia telangiectasia (A-T); Ataxia-telangiectasia, complementation group D. Identifiers: Orphanet 100, MedGen C0004135, MONDO:0008840, OMIM 208900.
ATM-related cancer predisposition. Also called: ATM-related cancer susceptibility. Identifiers: MedGen CN377759, MONDO:0700270.

Allele frequency attached by ClinVar (database versions not stated): 1000 Genomes Project 30x 0.06668; 1000 Genomes Project 0.06689; TOPMed 0.09283; ESP Exome Variant Server 0.10232; gnomAD 0.10499 and 0.10783; ExAC 0.11014; gnomAD exomes 0.11362.
gnomAD v4.1: 210,120 of 1,613,666 alleles (13%); highest among the groups gnomAD compares: Non-Finnish European, 14%; 15,385 homozygotes.

Submissions (28):

Labcorp Genetics (formerly Invitae), Labcorp
Classification: Benign for Ataxia-telangiectasia syndrome. Last evaluated: 2026-02-04. Review status: criteria provided, single submitter. Criteria: Invitae Variant Classification Sherloc (09022015). Collection method: clinical testing. Allele origin: germline.

ARUP Laboratories, Molecular Genetics and Genomics, ARUP Laboratories
Classification: Benign. Last evaluated: 2025-07-30. Review status: criteria provided, single submitter. Criteria: ARUP Molecular Germline Variant Investigation Process 2024. Collection method: clinical testing. Allele origin: germline.

GeneKor MSA
Classification: Benign for Hereditary cancer-predisposing syndrome. Last evaluated: 2025-07-10. Review status: criteria provided, single submitter. Criteria: ACMG Guidelines, 2015. Collection method: clinical testing. Allele origin: germline.

Blueprint Genetics
Classification: Likely benign. Last evaluated: 2024-11-27. Review status: criteria provided, single submitter. Criteria: ACMG Guidelines, 2015. Collection method: clinical testing. Allele origin: germline.

Myriad Genetics, Inc.
Classification: Benign for Familial cancer of breast. Last evaluated: 2024-05-23. Review status: criteria provided, single submitter. Criteria: Myriad Autosomal Dominant, Autosomal Recessive and X-Linked Classification Criteria (2023). Collection method: clinical testing. Allele origin: unknown.
Comment: This variant is considered benign. This variant has been observed at a population frequency that is significantly greater than expected given the associated disease prevalence and penetrance.

KCCC/NGS Laboratory, Kuwait Cancer Control Center
Classification: Benign for Familial cancer of breast. Last evaluated: 2023-07-07. Review status: criteria provided, single submitter. Criteria: ACMG Guidelines, 2015. Collection method: clinical testing. Allele origin: germline. Affected: yes.

Department of Pathology and Laboratory Medicine, Sinai Health System
Classification: Benign for ATM-related cancer predisposition. Last evaluated: 2022-08-23. Review status: criteria provided, single submitter. Criteria: ACMG Guidelines, 2015. Collection method: clinical testing. Allele origin: germline. Affected: no.

National Health Laboratory Service, Universitas Academic Hospital and University of the Free State
Classification: Benign for Hereditary breast ovarian cancer syndrome. Last evaluated: 2022-04-19. Review status: criteria provided, single submitter. Criteria: ACMG Guidelines, 2015. Collection method: clinical testing. Allele origin: germline. Affected: yes. Observed: 17 variant alleles.

Genome-Nilou Lab
Classification: Benign for Ataxia-telangiectasia syndrome. Last evaluated: 2021-07-01. Review status: criteria provided, single submitter. Criteria: ACMG Guidelines, 2015. Collection method: clinical testing. Allele origin: germline. Affected: no.

Mayo Clinic Laboratories, Mayo Clinic
Classification: Benign. Last evaluated: 2021-07-01. Review status: criteria provided, single submitter. Criteria: ACMG Guidelines, 2015. Collection method: clinical testing. Allele origin: germline. Observed: 808 variant alleles.

Sema4
Classification: Benign for Hereditary cancer-predisposing syndrome. Last evaluated: 2021-05-03. Review status: criteria provided, single submitter. Criteria: Sema4 Curation Guidelines. Collection method: curation. Allele origin: germline.

Mendelics
Classification: Benign for Ataxia-telangiectasia syndrome. Last evaluated: 2019-05-28. Review status: criteria provided, single submitter. Criteria: Mendelics Assertion Criteria 2017. Collection method: clinical testing. Allele origin: unknown.

Illumina Laboratory Services, Illumina
Classification: Benign for Ataxia-telangiectasia syndrome. Last evaluated: 2018-03-06. Review status: criteria provided, single submitter. Criteria: ICSL Variant Classification Criteria 13 December 2019. Collection method: clinical testing. Allele origin: germline.
Comment: This variant was observed in the ICSL laboratory as part of a predisposition screen in an ostensibly healthy population. It had not been previously curated by ICSL or reported in the Human Gene Mutation Database (HGMD: prior to June 1st, 2018), and was therefore a candidate for classification through an automated scoring system. Utilizing variant allele frequency, disease prevalence and penetrance estimates, and inheritance mode, an automated score was calculated to assess if this variant is too frequent to cause the disease. Based on the score and internal cut-off values, a variant classified as benign is not then subjected to further curation. The score for this variant resulted in a classification of benign for this disease.

Athena Diagnostics
Classification: Benign. Last evaluated: 2017-07-12. Review status: criteria provided, single submitter. Criteria: Athena Diagnostics Criteria. Collection method: clinical testing. Allele origin: germline.

Laboratory for Molecular Medicine, Mass General Brigham Personalized Medicine
Classification: Benign. Last evaluated: 2016-03-28. Review status: criteria provided, single submitter. Criteria: LMM Criteria. Collection method: clinical testing. Allele origin: germline.
Comment: Variant identified in a genome or exome case(s) and assessed due to predicted null impact of the variant or pathogenic assertions in the literature or databases. Disclaimer: This variant has not undergone full assessment. The following are preliminary notes: Frequency

Ambry Genetics
Classification: Benign for Hereditary cancer-predisposing syndrome. Last evaluated: 2015-06-12. Review status: criteria provided, single submitter. Criteria: Ambry Variant Classification Scheme 2023. Collection method: clinical testing. Allele origin: germline.

Eurofins Ntd Llc (ga)
Classification: Benign. Last evaluated: 2015-05-21. Review status: criteria provided, single submitter. Criteria: EGL Classification Definitions 2015. Collection method: clinical testing. Allele origin: germline. Observed: 1 variant allele, 1 heterozygote.

GeneDx
Classification: Benign. Last evaluated: 2015-03-03. Review status: criteria provided, single submitter. Criteria: GeneDx Variant Classification Process June 2021. Collection method: clinical testing. Allele origin: germline. Affected: yes.
Comment: This variant is associated with the following publications: (PMID: 25591549, 31382929, 28652578, 18502988, 24728327, 16914028, 27599564, 27153395, 17333338, 15756685, 22792358, 22529920, 20396981, 18465141, 17517479, 23585524, 24599715, 19147782, 17351744)

Color Diagnostics, LLC DBA Color Health
Classification: Benign for Hereditary cancer-predisposing syndrome. Last evaluated: 2014-11-05. Review status: criteria provided, single submitter. Criteria: ACMG Guidelines, 2015. Collection method: clinical testing. Allele origin: germline.

Breakthrough Genomics
Classification: Benign. Review status: criteria provided, single submitter. Criteria: ACMG Guidelines, 2015. Collection method: not provided. Allele origin: germline. Inheritance: Autosomal recessive inheritance. Affected: yes.

PreventionGenetics, part of Exact Sciences
Classification: Benign. Review status: criteria provided, single submitter. Criteria: ACMG Guidelines, 2015. Collection method: clinical testing. Allele origin: germline.

ITMI
No classification provided. Condition: AllHighlyPenetrant. Last evaluated: 2013-09-19. Review status: no classification provided. Collection method: reference population. Allele origin: germline. Not counted in ClinVar's aggregate classification.
Comment: Please see associated publication for description of ethnicities

Clinical Genetics Laboratory, Department of Pathology, Netherlands Cancer Institute
Classification: Benign. Review status: no assertion criteria provided. Collection method: clinical testing. Allele origin: germline. Affected: yes. Study: VKGL Data-share Consensus. Not counted in ClinVar's aggregate classification.

Clinical Genetics, Academic Medical Center
Classification: Benign. Review status: no assertion criteria provided. Collection method: clinical testing. Allele origin: germline. Affected: yes. Study: VKGL Data-share Consensus. Not counted in ClinVar's aggregate classification.

Diagnostic Laboratory, Department of Genetics, University Medical Center Groningen
Classification: Benign. Review status: no assertion criteria provided. Collection method: clinical testing. Allele origin: germline. Affected: yes. Study: VKGL Data-share Consensus. Not counted in ClinVar's aggregate classification.

Genetic Services Laboratory, University of Chicago
Classification: Likely benign for AllHighlyPenetrant. Review status: no assertion criteria provided. Collection method: clinical testing. Allele origin: germline. Inheritance: Autosomal recessive inheritance. Not counted in ClinVar's aggregate classification.
Comment: Likely benign based on allele frequency in 1000 Genomes Project or ESP global frequency and its presence in a patient with a rare or unrelated disease phenotype. NOT Sanger confirmed.

Genome Diagnostics Laboratory, University Medical Center Utrecht
Classification: Benign. Review status: no assertion criteria provided. Collection method: clinical testing. Allele origin: germline. Affected: yes. Study: VKGL Data-share Consensus. Not counted in ClinVar's aggregate classification.

Joint Genome Diagnostic Labs from Nijmegen and Maastricht, Radboudumc and MUMC+
Classification: Benign. Review status: no assertion criteria provided. Collection method: clinical testing. Allele origin: germline. Affected: yes. Study: VKGL Data-share Consensus. Not counted in ClinVar's aggregate classification.

Literature cited by the submitters: PubMed 10397742 (cited by Athena Diagnostics); PubMed 10425038 (cited by Athena Diagnostics); PubMed 12473594 (cited by Athena Diagnostics); PubMed 15280931 (cited by Athena Diagnostics); PubMed 15756685 (cited by Athena Diagnostics); PubMed 17351744 (cited by Athena Diagnostics); PubMed 18701470 (cited by Athena Diagnostics); PubMed 9711876 (cited by Athena Diagnostics); PubMed 24728327 (cited by ITMI).

NM_000051.4(ATM):c.5557G>A (p.Asp1853Asn)

Gene: ATM (ATM serine/threonine kinase; plus strand). Cytogenetic location: 11q22.3.
Variant type: single nucleotide variant.
Coding change: c.5557G>A on transcript NM_000051.4 (MANE Select); coding-DNA position 5557, G replaced by A.
Protein change: p.Asp1853Asn; replaces aspartic acid 1853 with asparagine.
Molecular consequence: missense variant.
Genome position (GRCh38, 1-based): chr11:108,304,735, G>A. VCF-style: chr11-108304735-G-A. GRCh37 (hg19) VCF-style: chr11-108175462-G-A.
Other names: NP_000042.3:p.Asp1853Asn; c.5557G>A, p.Asp1853Asn (NM_001351834.2); short protein forms D1853N.
Identifiers: ClinVar variation 128458 (VCV000128458.65), dbSNP rs1801516, ClinGen allele CA151929.